The following is an entry in ClinVar:

NM_001372044.2(SHANK3):c.1260A>G (p.Pro420=)

Gene: SHANK3 (SH3 and multiple ankyrin repeat domains 3; plus strand). Cytogenetic location: 22q13.33.
Variant type: single nucleotide variant.
Coding change: c.1260A>G on transcript NM_001372044.2 (MANE Select); coding-DNA position 1260, A replaced by G.
Protein change: p.Pro420=; no amino-acid change (proline 420 retained).
Molecular consequence: synonymous variant.
Genome position (GRCh38, 1-based): chr22:50,694,779, A>G. VCF-style: chr22-50694779-A-G. GRCh37 (hg19) VCF-style: chr22-51133207-A-G.
Other names: c.1035A>G (NM_033517.1).
Identifiers: ClinVar variation 4998939 (VCV004998939.1).

ClinVar aggregate classification (germline): Likely benign (1 of 4 stars; one submission).

Conditions:
SHANK3-related disorder. Also called: SHANK3-related condition.

Submission:

PreventionGenetics, part of Exact Sciences
Classification: Likely benign for SHANK3-related condition. Last evaluated: 2025-02-14. Review status: criteria provided, single submitter. Criteria: ACMG Guidelines, 2015. Collection method: clinical testing. Allele origin: germline.
Comment: This variant is classified as likely benign based on ACMG/AMP sequence variant interpretation guidelines (Richards et al. 2015 PMID: 25741868, with internal and published modifications).